The following is an entry in ClinVar:

ClinVar aggregate classification (germline): Uncertain significance (1 of 4 stars; one submission).

Conditions:
Landau-Kleffner syndrome (FESD). Also called: EPILEPSY, FOCAL, WITH SPEECH DISORDER AND WITH OR WITHOUT MENTAL RETARDATION; APHASIA, ACQUIRED, WITH EPILEPSY. Identifiers: Orphanet 1945, Orphanet 725, Orphanet 98818, MedGen C0282512, MONDO:0009509, OMIM 245570.

Allele frequency attached by ClinVar (database versions not stated): gnomAD exomes below 0.00001 and 0.00001; ExAC 0.00001.
gnomAD v4.1: 10 of 1,614,138 alleles (0.00062%); highest among the groups gnomAD compares: East Asian, 0.0022%; no homozygotes.

Submission:

Labcorp Genetics (formerly Invitae), Labcorp
Classification: Uncertain significance for Landau-Kleffner syndrome. Last evaluated: 2017-10-30. Review status: criteria provided, single submitter. Criteria: Invitae Variant Classification Sherloc (09022015). Collection method: clinical testing. Allele origin: germline.
Comment: This sequence change replaces tyrosine with cysteine at codon 1246 of the GRIN2A protein (p.Tyr1246Cys). The tyrosine residue is highly conserved and there is a large physicochemical difference between tyrosine and cysteine. This variant is present in population databases (rs779437393, ExAC 0.001%). Algorithms developed to predict the effect of missense changes on protein structure and function (SIFT, PolyPhen-2, Align-GVGD) all suggest that this variant is likely to be disruptive, but these predictions have not been confirmed by published functional studies and their clinical significance is uncertain. In summary, the available evidence is currently insufficient to determine the role of this variant in disease. Therefore, it has been classified as a Variant of Uncertain Significance. This variant has not been reported in the literature in individuals with GRIN2A-related disease.

NM_001134407.3(GRIN2A):c.3737A>G (p.Tyr1246Cys)

Gene: GRIN2A (glutamate ionotropic receptor NMDA type subunit 2A; minus strand). Cytogenetic location: 16p13.2.
Variant type: single nucleotide variant.
Coding change: c.3737A>G on transcript NM_001134407.3 (MANE Select); coding-DNA position 3737, A replaced by G.
Protein change: p.Tyr1246Cys; replaces tyrosine 1246 with cysteine.
Molecular consequence: missense variant.
Genome position (GRCh38, 1-based): chr16:9,763,807, T>C on the plus strand (A>G on the coding strand, the complement: GRIN2A is on the minus strand). VCF-style: chr16-9763807-T-C. GRCh37 (hg19) VCF-style: chr16-9857664-T-C.
Other names: c.3737A>G, p.Tyr1246Cys (NM_000833.5, NM_001134408.2); short protein forms Y1246C.
Identifiers: ClinVar variation 532711 (VCV000532711.9), dbSNP rs779437393, ClinGen allele CA7896260.